The following is an entry in ClinVar:

ClinVar aggregate classification (germline): Uncertain significance (1 of 4 stars; one submission).

Allele frequency attached by ClinVar (database versions not stated): gnomAD exomes below 0.00001; ExAC 0.00001; ESP Exome Variant Server 0.00008.
gnomAD v4.1: 2 of 1,613,364 alleles (0.00012%); highest among the groups gnomAD compares: Non-Finnish European, 0.00017%; no homozygotes.

Submission:

GeneDx
Classification: Uncertain significance. Last evaluated: 2022-03-04. Review status: criteria provided, single submitter. Criteria: GeneDx Variant Classification Process June 2021. Collection method: clinical testing. Allele origin: germline. Affected: yes.
Comment: Not observed at significant frequency in large population cohorts (gnomAD); In silico analysis supports that this missense variant does not alter protein structure/function; Has not been previously published as pathogenic or benign to our knowledge

NM_003632.3(CNTNAP1):c.1561C>G (p.Leu521Val)

Gene: CNTNAP1 (contactin associated protein 1; plus strand). Cytogenetic location: 17q21.2.
Variant type: single nucleotide variant.
Coding change: c.1561C>G on transcript NM_003632.3 (MANE Select); coding-DNA position 1561, C replaced by G.
Protein change: p.Leu521Val; replaces leucine 521 with valine.
Molecular consequence: missense variant.
Genome position (GRCh38, 1-based): chr17:42,688,980, C>G. VCF-style: chr17-42688980-C-G. GRCh37 (hg19) VCF-style: chr17-40840998-C-G.
Other names: short protein forms L521V.
Identifiers: ClinVar variation 1703894 (VCV001703894.2), dbSNP rs376238535, ClinGen allele CA8581817.